The following is an entry in ClinVar:

ClinVar aggregate classification (germline): Uncertain significance (1 of 4 stars; one submission).

Conditions:
Hereditary cancer-predisposing syndrome. Also called: Neoplastic Syndromes, Hereditary; Tumor predisposition; Hereditary Cancer Syndrome; Hereditary neoplastic syndrome. Identifiers: Orphanet 140162, MedGen C0027672, MeSH D009386, MONDO:0015356.

Allele frequency attached by ClinVar (database versions not stated): gnomAD 0.00001; gnomAD exomes 0.00001.
gnomAD v4.1: 19 of 1,569,212 alleles (0.0012%); highest among the groups gnomAD compares: Non-Finnish European, 0.0015%; no homozygotes.

Submission:

Ambry Genetics
Classification: Uncertain significance for Hereditary cancer-predisposing syndrome. Last evaluated: 2024-07-13. Review status: criteria provided, single submitter. Criteria: Ambry Variant Classification Scheme 2023. Collection method: clinical testing. Allele origin: germline.
Comment: The p.T7M variant (also known as c.20C>T), located in coding exon 1 of the GREM1 gene, results from a C to T substitution at nucleotide position 20. The threonine at codon 7 is replaced by methionine, an amino acid with similar properties. This amino acid position is conserved. In addition, this alteration is predicted to be tolerated by in silico analysis. Since supporting evidence is limited at this time, the clinical significance of this alteration remains unclear.

NM_013372.7(GREM1):c.20C>T (p.Thr7Met)

Gene: GREM1 (gremlin 1, DAN family BMP antagonist; plus strand). Cytogenetic location: 15q13.3.
Variant type: single nucleotide variant.
Coding change: c.20C>T on transcript NM_013372.7 (MANE Select); coding-DNA position 20, C replaced by T.
Protein change: p.Thr7Met; replaces threonine 7 with methionine.
Molecular consequence: missense variant.
Genome position (GRCh38, 1-based): chr15:32,730,710, C>T. VCF-style: chr15-32730710-C-T. GRCh37 (hg19) VCF-style: chr15-33022911-C-T.
Other names: c.20C>T, p.Thr7Met (NM_001191322.2, NM_001191323.2, NM_001368719.1); short protein forms T7M.
Identifiers: ClinVar variation 1785882 (VCV001785882.3), dbSNP rs1280677560, ClinGen allele CA391557019.
Genomic context (GRCh38, chr15:32,730,710, plus strand): 5'-ATGTTTTGTGTCTTCCCCTCTCTGTGCTTCCTTTCTTTAGTATGAGCCGCACAGCCTACA[C>T]GGTGGGAGCCCTGCTTCTCCTCTTGGGGACCCTGCTGCCGGCTGCTGAAGGGAAAAAGAA-3'
Protein context (NP_037504.1, residues 1-17): MSRTAY[Thr7Met]VGALLLLLGT